The following is an entry in ClinVar:

NM_018417.6(ADCY10):c.253+4A>G

Genes: ADCY10 (adenylate cyclase 10; minus strand), DCAF6 (DDB1 and CUL4 associated factor 6; plus strand). Cytogenetic location: 1q24.2.
Variant type: single nucleotide variant.
Coding change: c.253+4A>G on transcript NM_018417.6 (MANE Select); 4 bases into the intron after coding-DNA position 253, A replaced by G.
Molecular consequence: intron variant.
Genome position (GRCh38, 1-based): chr1:167,903,883, T>C on the plus strand (A>G on the coding strand, the complement: ADCY10 is on the minus strand). VCF-style: chr1-167903883-T-C. GRCh37 (hg19) VCF-style: chr1-167873121-T-C.
Other names: c.-62-1829A>G (NM_001167749.3); c.-61+4A>G (NM_001297772.2).
Identifiers: ClinVar variation 1052779 (VCV001052779.6), dbSNP rs949024270, ClinGen allele CA31401933.

ClinVar aggregate classification (germline): Uncertain significance. Review status: criteria provided, multiple submitters, no conflicts (2 of 4 stars). 2 submissions from 2 submitters: Uncertain significance (2). Last evaluated 2022-07-27.

Conditions:
Familial idiopathic hypercalciuria (HCA2). Also called: Hypercalciuria, absorptive, 2; Hypercalciuria, absorptive, susceptibility to. Identifiers: MedGen C0342639, MONDO:0007748, OMIM 143870.

Allele frequency attached by ClinVar (database versions not stated): gnomAD exomes below 0.00001; TOPMed 0.00001.
gnomAD v4.1: 3 of 1,603,096 alleles (0.00019%); highest among the groups gnomAD compares: Non-Finnish European, 0.00026%; no homozygotes.

Submissions (2):

Labcorp Genetics (formerly Invitae), Labcorp
Classification: Uncertain significance. Last evaluated: 2022-07-27. Review status: criteria provided, single submitter. Criteria: Invitae Variant Classification Sherloc (09022015). Collection method: clinical testing. Allele origin: germline.
Comment: This sequence change falls in intron 3 of the ADCY10 gene. It does not directly change the encoded amino acid sequence of the ADCY10 protein. It affects a nucleotide within the consensus splice site. This variant is present in population databases (no rsID available, gnomAD 0.0009%). This variant has not been reported in the literature in individuals affected with ADCY10-related conditions. ClinVar contains an entry for this variant (Variation ID: 1052779). Variants that disrupt the consensus splice site are a relatively common cause of aberrant splicing (PMID: 17576681, 9536098). Algorithms developed to predict the effect of sequence changes on RNA splicing suggest that this variant may disrupt the consensus splice site. In summary, the available evidence is currently insufficient to determine the role of this variant in disease. Therefore, it has been classified as a Variant of Uncertain Significance.

Fulgent Genetics
Classification: Uncertain significance for Familial idiopathic hypercalciuria. Last evaluated: 2021-09-03. Review status: criteria provided, single submitter. Criteria: ACMG Guidelines, 2015. Collection method: clinical testing. Allele origin: unknown.

Literature cited by the submitters: PubMed 17576681 (cited by Labcorp Genetics (formerly Invitae), Labcorp); PubMed 9536098 (cited by Labcorp Genetics (formerly Invitae), Labcorp).